The following is an entry in ClinVar:

NM_004385.5(VCAN):c.5869G>C (p.Glu1957Gln)

Genes: VCAN-AS1 (VCAN antisense RNA 1; minus strand), VCAN (versican; plus strand). Cytogenetic location: 5q14.3.
Variant type: single nucleotide variant.
Coding change: c.5869G>C on transcript NM_004385.5 (MANE Select); coding-DNA position 5869, G replaced by C.
Protein change: p.Glu1957Gln; replaces glutamic acid 1957 with glutamine.
Molecular consequence: missense variant. On other transcripts: intron variant (2).
Genome position (GRCh38, 1-based): chr5:83,538,872, G>C. VCF-style: chr5-83538872-G-C. GRCh37 (hg19) VCF-style: chr5-82834691-G-C.
Other names: c.2908G>C, p.Glu970Gln (NM_001164097.2); c.4004-6665G>C (NM_001164098.2); c.1043-6665G>C (NM_001126336.3); short protein forms E970Q, E1957Q.
Identifiers: ClinVar variation 3728169 (VCV003728169.2).
Genomic context (GRCh38, chr5:83,538,872, plus strand): 5'-GACTTTAGAGAATACTCAACAGTGTCTCATCCCATAGCAAAAGAAGAAACGGTAATGATG[G>C]AAGGCTCTGGAGATGCAGCATTTAGGGACACCCAGACTTCACCATCTACAGTACCTACTT-3'
Protein context (NP_004376.2, residues 1947-1967): PIAKEETVMM[Glu1957Gln]GSGDAAFRDT

ClinVar aggregate classification (germline): Uncertain significance (1 of 4 stars; one submission).

Submission:

Labcorp Genetics (formerly Invitae), Labcorp
Classification: Uncertain significance. Last evaluated: 2024-12-27. Review status: criteria provided, single submitter. Criteria: Invitae Variant Classification Sherloc (09022015). Collection method: clinical testing. Allele origin: germline.
Comment: This sequence change replaces glutamic acid, which is acidic and polar, with glutamine, which is neutral and polar, at codon 1957 of the VCAN protein (p.Glu1957Gln). This variant is not present in population databases (gnomAD no frequency). This variant has not been reported in the literature in individuals affected with VCAN-related conditions. An algorithm developed to predict the effect of missense changes on protein structure and function (PolyPhen-2) suggests that this variant is likely to be disruptive. In summary, the available evidence is currently insufficient to determine the role of this variant in disease. Therefore, it has been classified as a Variant of Uncertain Significance.